The following is an entry in ClinVar:

NM_001323289.2(CDKL5):c.2153-2A>G

Gene: CDKL5 (cyclin dependent kinase like 5; plus strand). Cytogenetic location: Xp22.13.
Variant type: single nucleotide variant.
Coding change: c.2153-2A>G on transcript NM_001323289.2 (MANE Select); the canonical splice acceptor site of the intron before coding-DNA position 2153, A replaced by G.
Molecular consequence: splice acceptor variant.
Genome position (GRCh38, 1-based): chrX:18,613,150, A>G. VCF-style: chrX-18613150-A-G. GRCh37 (hg19) VCF-style: chrX-18631270-A-G.
Other names: c.2153-2A>G (NM_003159.3, NM_001037343.2).
Identifiers: ClinVar variation 2443484 (VCV002443484.1), dbSNP rs1282280118, ClinGen allele CA412367768.

ClinVar aggregate classification (germline): Uncertain significance (1 of 4 stars; one submission).

Allele frequency attached by ClinVar (database versions not stated): gnomAD exomes below 0.00001; TOPMed below 0.00001; gnomAD 0.00001.
gnomAD v4.1: 2 of 1,168,653 alleles (0.00017%); highest among the groups gnomAD compares: Non-Finnish European, 0.00023%; no homozygotes.

Submission:

GeneDx
Classification: Uncertain significance. Last evaluated: 2022-09-16. Review status: criteria provided, single submitter. Criteria: GeneDx Variant Classification Process June 2021. Collection method: clinical testing. Allele origin: germline. Affected: yes.
Comment: Canonical splice site variant with an unclear effect on protein function; Internal targeted RNA studies in blood for c.2153-1G>T suggest that variants at this splice acceptor site may result in multiple alternatively spliced transcripts; Not observed at significant frequency in large population cohorts (gnomAD); Has not been previously published as pathogenic or benign to our knowledge